The following is an entry in ClinVar:

ClinVar aggregate classification (germline): Uncertain significance (1 of 4 stars; one submission).

Allele frequency attached by ClinVar (database versions not stated): gnomAD 0.00001; ExAC 0.00002; gnomAD exomes 0.00002.
gnomAD v4.1: 39 of 1,613,878 alleles (0.0024%); highest among the groups gnomAD compares: Middle Eastern, 0.35%; no homozygotes.

Submission:

CeGaT Center for Human Genetics Tuebingen
Classification: Uncertain significance. Last evaluated: 2023-09-01. Review status: criteria provided, single submitter. Criteria: CeGaT Center For Human Genetics Tuebingen Variant Classification Criteria Version 2. Collection method: clinical testing. Allele origin: germline. Affected: yes. Observed: 1 variant allele.
Comment: PLCL1: PM2

NM_006226.4(PLCL1):c.1403T>A (p.Phe468Tyr)

Gene: PLCL1 (phospholipase C like 1 (inactive); plus strand). Cytogenetic location: 2q33.1.
Variant type: single nucleotide variant.
Coding change: c.1403T>A on transcript NM_006226.4 (MANE Select); coding-DNA position 1403, T replaced by A.
Protein change: p.Phe468Tyr; replaces phenylalanine 468 with tyrosine.
Molecular consequence: missense variant.
Genome position (GRCh38, 1-based): chr2:198,084,920, T>A. VCF-style: chr2-198084920-T-A. GRCh37 (hg19) VCF-style: chr2-198949644-T-A.
Other names: c.1403T>A, p.Phe468Tyr (NM_001114661.1); short protein forms F468Y.
Identifiers: ClinVar variation 2651799 (VCV002651799.24), dbSNP rs754994541, ClinGen allele CA2045371.
Genomic context (GRCh38, chr2:198,084,920, plus strand): 5'-ATGGTTCAGATAATGAACCAATCCTTTGTAATCGAAATAACATGACAACCCATGTTTCCT[T>A]TCGAAGTGTCATAGAGGTAATAAATAAATTTGCCTTTGTTGCTTCTGAATACCCACTCAT-3'
Protein context (NP_006217.3, residues 458-478): NRNNMTTHVS[Phe468Tyr]RSVIEVINKF